The following is an entry in ClinVar:

NM_004380.3(CREBBP):c.712G>A (p.Val238Met)

Gene: CREBBP (CREB binding lysine acetyltransferase; minus strand). Cytogenetic location: 16p13.3.
Variant type: single nucleotide variant.
Coding change: c.712G>A on transcript NM_004380.3 (MANE Select); coding-DNA position 712, G replaced by A.
Protein change: p.Val238Met; replaces valine 238 with methionine.
Molecular consequence: missense variant.
Genome position (GRCh38, 1-based): chr16:3,850,383, C>T on the plus strand (G>A on the coding strand, the complement: CREBBP is on the minus strand). VCF-style: chr16-3850383-C-T. GRCh37 (hg19) VCF-style: chr16-3900384-C-T.
Other names: c.712G>A, p.Val238Met (NM_001079846.1); short protein forms V238M.
Identifiers: ClinVar variation 1327228 (VCV001327228.13), dbSNP rs146887252, ClinGen allele CA7870629.
Genomic context (GRCh38, chr16:3,850,383, plus strand): 5'-TGTTCAGTCCCGCGTGACCAGTCATTTGCGGGGAAACCTGCGTTAGGGTCTCAGCCAGCA[C>T]GCTGCTCGAGGCGCCCTGCATGGCTGGAGTAGGGTACGGCATTCCAGCTCCCCTTCCTCT-3'
Protein context (NP_004371.2, residues 228-248): TPAMQGASSS[Val238Met]LAETLTQVSP

ClinVar aggregate classification (germline): Benign/Likely benign. Review status: criteria provided, multiple submitters, no conflicts (2 of 4 stars). 5 submissions from 5 submitters: Benign (1); Likely benign (2). 2 of the submissions do not count toward it. Last evaluated 2025-03-20.

Conditions:
Tip-toe gait. Also called: Toe walking. Identifiers: MedGen C0427144, HP:0030051.
Rubinstein-Taybi syndrome (RSTS). Identifiers: Orphanet 783, MedGen C0035934, MONDO:0019188.
CREBBP-related disorder. Also called: CREBBP-related disorders; CREBBP-related condition.
Menke-Hennekam syndrome 1 (MKHK1). Identifiers: MedGen C5193034, MONDO:0020763, OMIM 618332.
Rubinstein-Taybi syndrome due to CREBBP mutations (RSTS1). Also called: RUBINSTEIN-TAYBI SYNDROME 1, INCOMPLETE; BROAD THUMB-HALLUX SYNDROME; RUBINSTEIN SYNDROME; BROAD THUMBS AND GREAT TOES, CHARACTERISTIC FACIES, AND IMPAIRED INTELLECTUAL DEVELOPMENT; Rubinstein-Taybi syndrome 1; CREBBP-Related Rubinstein-Taybi Syndrome. Identifiers: Orphanet 353277, Orphanet 783, MedGen C4551859, MONDO:0008393, OMIM 180849.

gnomAD v4.1: 66 of 1,614,126 alleles (0.0041%); highest among the groups gnomAD compares: South Asian, 0.0055%; no homozygotes.

Submissions (5):

Labcorp Genetics (formerly Invitae), Labcorp
Classification: Benign for Rubinstein-Taybi syndrome. Last evaluated: 2025-03-20. Review status: criteria provided, single submitter. Criteria: Invitae Variant Classification Sherloc (09022015). Collection method: clinical testing. Allele origin: germline.

Fulgent Genetics
Classification: Likely benign for Rubinstein-Taybi syndrome due to CREBBP mutations; Menke-Hennekam syndrome 1. Last evaluated: 2022-05-08. Review status: criteria provided, single submitter. Criteria: ACMG Guidelines, 2015. Collection method: clinical testing. Allele origin: unknown.

GeneDx
Classification: Likely benign. Last evaluated: 2021-06-04. Review status: criteria provided, single submitter. Criteria: GeneDx Variant Classification Process June 2021. Collection method: clinical testing. Allele origin: germline. Affected: yes.

PreventionGenetics, part of Exact Sciences
Classification: Uncertain significance for CREBBP-related condition. Last evaluated: 2024-01-30. Review status: no assertion criteria provided. Collection method: clinical testing. Allele origin: germline. Not counted in ClinVar's aggregate classification.
Comment: The CREBBP c.712G>A variant is predicted to result in the amino acid substitution p.Val238Met. To our knowledge, this variant has not been reported in the literature. This variant is reported in 0.0033% of alleles in individuals of South Asian descent in gnomAD. At this time, the clinical significance of this variant is uncertain due to the absence of conclusive functional and genetic evidence.

Practice for Gait Abnormalities, David Pomarino, Competency Network Toe Walking C/o Practice Pomarino
Classification: Likely pathogenic for Tip-toe gait. Review status: no assertion criteria provided. Collection method: clinical testing. Allele origin: germline. Affected: yes. Not counted in ClinVar's aggregate classification.
Comment: Hereditary motor sensory neuropathy (HMSN), also known as Charcot-Marie-Tooth Disease (CMT), is the most commonly inherited peripheral polyneuropathy. It constitutes a group of inherited, progressive, motor and sensory peripheral nerve disorders with properties of demyelination, axonal degeneration, or both. It is classified by clinical characteristics, modes of inheritance, electrophysiologic features, metabolic defects, and specific gene markers. Our patients all walk on tiptoe, so they show similar symptoms. When we genetically test them with our toe walking panel, we find that around 90 per cent of them have a genetic variant that explains their toe walking. These can be assigned, for example, to the area of myopathies (such as variants of the COL6A3 gene), the area of hereditary neuropathies (such as variants of the KMT2C gene) or the area of metabolic diseases (such as variants of the PYGM gene). In a smaller group of patients with almost identical symptoms, no abnormality is found in the genes of our panel, but spastic paraplegia can be detected. In another small group of our toe walkers, no abnormalities can be detected in the genes analysed in our toe walking panel, nor do they suffer from spastic paraplegia, as is also the case with healthy children. In contrast to these, however, they show a tiptoe gait. These patients suffer from infantile cerebral palsy, in which toe walking can also be observed.

Literature cited by the submitters: PubMed 37091313 (cited by Practice for Gait Abnormalities, David Pomarino, Competency Network Toe Walking C/o Practice Pomarino).